The following is an entry in ClinVar:

NM_001267550.2(TTN):c.106103C>G (p.Ser35368Cys)

Genes: TTN (titin; minus strand), TTN-AS1 (TTN antisense RNA 1; plus strand), LOC129935182 (ATAC-STARR-seq lymphoblastoid active region 16807; plus strand). Cytogenetic location: 2q31.2.
Variant type: single nucleotide variant.
Coding change: c.106103C>G on transcript NM_001267550.2 (MANE Select); coding-DNA position 106103, C replaced by G.
Protein change: p.Ser35368Cys; replaces serine 35368 with cysteine.
Molecular consequence: missense variant.
Genome position (GRCh38, 1-based): chr2:178,530,512, G>C on the plus strand (C>G on the coding strand, the complement: TTN is on the minus strand). VCF-style: chr2-178530512-G-C. GRCh37 (hg19) VCF-style: chr2-179395239-G-C.
Other names: c.101180C>G, p.Ser33727Cys (NM_001256850.1); c.78908C>G, p.Ser26303Cys (NM_003319.4); c.98399C>G, p.Ser32800Cys (NM_133378.4); c.79283C>G, p.Ser26428Cys (NM_133432.3); c.79484C>G, p.Ser26495Cys (NM_133437.4); short protein forms S26495C, S32800C, S33727C, S26303C, S35368C, S26428C.
Identifiers: ClinVar variation 2944489 (VCV002944489.3), dbSNP rs1688634986, ClinGen allele CA349407028.

ClinVar aggregate classification (germline): Uncertain significance (1 of 4 stars; one submission).

Conditions:
Dilated cardiomyopathy 1G (CMD1G). Identifiers: Orphanet 154, MedGen C1858763, MONDO:0011400, OMIM 604145.
Autosomal recessive limb-girdle muscular dystrophy type 2J (LGMDR10). Also called: MUSCULAR DYSTROPHY, LIMB-GIRDLE, AUTOSOMAL RECESSIVE 10; Limb-girdle muscular dystrophy, type 2J. Identifiers: Orphanet 140922, MedGen C1837342, MONDO:0012127, OMIM 608807.

Submission:

Labcorp Genetics (formerly Invitae), Labcorp
Classification: Uncertain significance for Dilated cardiomyopathy 1G; Autosomal recessive limb-girdle muscular dystrophy type 2J. Last evaluated: 2023-02-18. Review status: criteria provided, single submitter. Criteria: Invitae Variant Classification Sherloc (09022015). Collection method: clinical testing. Allele origin: germline.
Comment: This variant is located in the M band of TTN (PMID: 25589632). Variants in this region may be relevant for neuromuscular disorders, but have not been definitively shown to cause cardiomyopathy (PMID: 23975875). In summary, the available evidence is currently insufficient to determine the role of this variant in disease. Therefore, it has been classified as a Variant of Uncertain Significance. Experimental studies and prediction algorithms are not available or were not evaluated, and the functional significance of this variant is currently unknown. This variant has not been reported in the literature in individuals affected with TTN-related conditions. This variant is not present in population databases (gnomAD no frequency). This sequence change replaces serine, which is neutral and polar, with cysteine, which is neutral and slightly polar, at codon 35368 of the TTN protein (p.Ser35368Cys).

Literature cited by the submitters: PubMed 25589632; PubMed 23975875.